The following is an entry in ClinVar:

ClinVar aggregate classification (germline): Uncertain significance (1 of 4 stars; one submission).

Conditions:
Familial cold autoinflammatory syndrome 2 (FCAS2). Identifiers: Orphanet 247868, MedGen C2673198, MONDO:0012724, OMIM 611762.

Submission:

Labcorp Genetics (formerly Invitae), Labcorp
Classification: Uncertain significance for Familial cold autoinflammatory syndrome 2. Last evaluated: 2025-02-11. Review status: criteria provided, single submitter. Criteria: Invitae Variant Classification Sherloc (09022015). Collection method: clinical testing. Allele origin: germline.
Comment: This sequence change replaces aspartic acid, which is acidic and polar, with glutamic acid, which is acidic and polar, at codon 540 of the NLRP12 protein (p.Asp540Glu). This variant is not present in population databases (gnomAD no frequency). This variant has not been reported in the literature in individuals affected with NLRP12-related conditions. Invitae Evidence Modeling of protein sequence and biophysical properties (such as structural, functional, and spatial information, amino acid conservation, physicochemical variation, residue mobility, and thermodynamic stability) indicates that this missense variant is not expected to disrupt NLRP12 protein function with a negative predictive value of 80%. In summary, the available evidence is currently insufficient to determine the role of this variant in disease. Therefore, it has been classified as a Variant of Uncertain Significance.

NM_144687.4(NLRP12):c.1620C>G (p.Asp540Glu)

Gene: NLRP12 (NLR family pyrin domain containing 12; minus strand). Cytogenetic location: 19q13.42.
Variant type: single nucleotide variant.
Coding change: c.1620C>G on transcript NM_144687.4 (MANE Select); coding-DNA position 1620, C replaced by G.
Protein change: p.Asp540Glu; replaces aspartic acid 540 with glutamic acid.
Molecular consequence: missense variant.
Genome position (GRCh38, 1-based): chr19:53,810,039, G>C on the plus strand (C>G on the coding strand, the complement: NLRP12 is on the minus strand). VCF-style: chr19-53810039-G-C. GRCh37 (hg19) VCF-style: chr19-54313293-G-C.
Other names: c.1620C>G, p.Asp540Glu (NM_001277126.2, NM_001277129.1); short protein forms D540E.
Identifiers: ClinVar variation 4776599 (VCV004776599.1).